The following is an entry in ClinVar:

ClinVar aggregate classification (germline): Uncertain significance. Review status: criteria provided, single submitter (1 of 4 stars). 2 submissions from 2 submitters: Uncertain significance (1). 1 of the submissions does not count toward it. Last evaluated 2021-12-23.

Conditions:
Congenital lactic acidosis, Saguenay-Lac-Saint-Jean type (MC4DN5). Also called: CYTOCHROME c OXIDASE DEFICIENCY, FRENCH CANADIAN TYPE; COX DEFICIENCY, FRENCH CANADIAN TYPE; MITOCHONDRIAL COMPLEX IV DEFICIENCY, NUCLEAR TYPE 5. Identifiers: Orphanet 70472, MedGen C1857355, MONDO:0009069, OMIM 220111.

Allele frequency attached by ClinVar (database versions not stated): TOPMed below 0.00001.

Submissions (2):

Labcorp Genetics (formerly Invitae), Labcorp
Classification: Uncertain significance. Last evaluated: 2021-12-23. Review status: criteria provided, single submitter. Criteria: Invitae Variant Classification Sherloc (09022015). Collection method: clinical testing. Allele origin: germline.
Comment: This sequence change replaces serine, which is neutral and polar, with arginine, which is basic and polar, at codon 825 of the LRPPRC protein (p.Ser825Arg). This variant is not present in population databases (gnomAD no frequency). This variant has not been reported in the literature in individuals affected with LRPPRC-related conditions. Advanced modeling of protein sequence and biophysical properties (such as structural, functional, and spatial information, amino acid conservation, physicochemical variation, residue mobility, and thermodynamic stability) performed at Invitae indicates that this missense variant is expected to disrupt LRPPRC protein function. In summary, the available evidence is currently insufficient to determine the role of this variant in disease. Therefore, it has been classified as a Variant of Uncertain Significance.

Natera, Inc.
Classification: Uncertain significance for French-Canadian type Leigh syndrome. Last evaluated: 2025-03-10. Review status: no assertion criteria provided. Collection method: clinical testing. Allele origin: germline. Not counted in ClinVar's aggregate classification.

NM_133259.4(LRPPRC):c.2475T>G (p.Ser825Arg)

Gene: LRPPRC (leucine rich pentatricopeptide repeat containing; minus strand). Cytogenetic location: 2p21.
Variant type: single nucleotide variant.
Coding change: c.2475T>G on transcript NM_133259.4 (MANE Select); coding-DNA position 2475, T replaced by G.
Protein change: p.Ser825Arg; replaces serine 825 with arginine.
Molecular consequence: missense variant.
Genome position (GRCh38, 1-based): chr2:43,943,716, A>C on the plus strand (T>G on the coding strand, the complement: LRPPRC is on the minus strand). VCF-style: chr2-43943716-A-C. GRCh37 (hg19) VCF-style: chr2-44170855-A-C.
Other names: c.2475T>G (NM_133259.3); short protein forms S825R.
Identifiers: ClinVar variation 2054735 (VCV002054735.2), dbSNP rs1672572945, ClinGen allele CA346672557.